The following is an entry in ClinVar:

ClinVar aggregate classification (germline): Likely benign (1 of 4 stars; one submission).

gnomAD v4.1: 878 of 1,614,202 alleles (0.054%); highest among the groups gnomAD compares: African/African-American, 1%; 4 homozygotes.

Submission:

CeGaT Center for Human Genetics Tuebingen
Classification: Likely benign. Last evaluated: 2026-07-01. Review status: criteria provided, single submitter. Criteria: CeGaT Center For Human Genetics Tuebingen Variant Classification Criteria Version 2. Collection method: clinical testing. Allele origin: germline. Affected: yes. Observed: 1 variant allele.
Comment: OAS2: BP4, BP7, BS1

NM_002535.3(OAS2):c.429G>T (p.Leu143=)

Gene: OAS2 (2'-5'-oligoadenylate synthetase 2; plus strand). Cytogenetic location: 12q24.13.
Variant type: single nucleotide variant.
Coding change: c.429G>T on transcript NM_002535.3 (MANE Select); coding-DNA position 429, G replaced by T.
Protein change: p.Leu143=; no amino-acid change (leucine 143 retained).
Molecular consequence: synonymous variant.
Genome position (GRCh38, 1-based): chr12:112,987,289, G>T. VCF-style: chr12-112987289-G-T. GRCh37 (hg19) VCF-style: chr12-113425094-G-T.
Other names: c.429G>T, p.Leu143= (NM_001032731.2, NM_016817.3).
Identifiers: ClinVar variation 5038995 (VCV005038995.1).